The following is an entry in ClinVar:

ClinVar aggregate classification (germline): Likely benign. Review status: criteria provided, multiple submitters, no conflicts (2 of 4 stars). 2 submissions from 2 submitters: Likely benign (2). Last evaluated 2023-06-26.

Conditions:
Long QT syndrome (LQTS). Identifiers: MedGen C0023976, MeSH D008133, MONDO:0002442. Disease mechanism: loss of function. Inheritance: Various modes of inheritance.
Cardiac arrhythmia. Also called: Cardiac rhythm disease; Arrhythmia. Identifiers: MedGen C0003811, MONDO:0007263, HP:0011675.

Allele frequency attached by ClinVar (database versions not stated): gnomAD exomes below 0.00001.
gnomAD v4.1: 1 of 1,613,828 alleles (0.000062%); highest among the groups gnomAD compares: Non-Finnish European, 0.000085%; no homozygotes.

Submissions (2):

All of Us Research Program, National Institutes of Health
Classification: Likely benign for Long QT syndrome. Last evaluated: 2023-06-26. Review status: criteria provided, single submitter. Criteria: ACMG Guidelines, 2015. Collection method: clinical testing. Allele origin: germline. Inheritance: Autosomal dominant inheritance. Observed: 1 variant allele, 1 heterozygote.
Comment: This study involves interpretation of variants in research participants for the purpose of population health screening. Participant phenotype was not available at the time of variant classification. Additional details can be found in publication PMID: 35346344, PMCID: PMC8962531

Color Diagnostics, LLC DBA Color Health
Classification: Likely benign for Arrhythmia. Last evaluated: 2018-12-16. Review status: criteria provided, single submitter. Criteria: ACMG Guidelines, 2015. Collection method: clinical testing. Allele origin: germline.

NM_000218.3(KCNQ1):c.873A>G (p.Ser291=)

Gene: KCNQ1 (potassium voltage-gated channel subfamily Q member 1; plus strand). Cytogenetic location: 11p15.5.
Variant type: single nucleotide variant.
Coding change: c.873A>G on transcript NM_000218.3 (MANE Select); coding-DNA position 873, A replaced by G.
Protein change: p.Ser291=; no amino-acid change (serine 291 retained).
Molecular consequence: synonymous variant. On other transcripts: intron variant (1).
Genome position (GRCh38, 1-based): chr11:2,572,938, A>G. VCF-style: chr11-2572938-A-G. GRCh37 (hg19) VCF-style: chr11-2594168-A-G.
Other names: c.873A>G, p.Ser291= (NM_001406836.1); c.603A>G, p.Ser201= (NM_001406837.1); c.492A>G, p.Ser164= (NM_181798.2); c.478-10497A>G (NM_001406838.1).
Identifiers: ClinVar variation 921627 (VCV000921627.6), dbSNP rs1848362899, ClinGen allele CA472038182.